The following is an entry in ClinVar:

NM_024757.5(EHMT1):c.1742G>A (p.Arg581His)

Gene: EHMT1 (euchromatic histone lysine methyltransferase 1; plus strand). Cytogenetic location: 9q34.3.
Variant type: single nucleotide variant.
Coding change: c.1742G>A on transcript NM_024757.5 (MANE Select); coding-DNA position 1742, G replaced by A.
Protein change: p.Arg581His; replaces arginine 581 with histidine.
Molecular consequence: missense variant.
Genome position (GRCh38, 1-based): chr9:137,775,203, G>A. VCF-style: chr9-137775203-G-A. GRCh37 (hg19) VCF-style: chr9-140669655-G-A.
Other names: c.1742G>A, p.Arg581His (NM_001145527.2); c.1649G>A, p.Arg550His (NM_001354259.2); c.1721G>A, p.Arg574His (NM_001354263.2); short protein forms R550H, R574H, R581H.
Identifiers: ClinVar variation 3683943 (VCV003683943.4).
Genomic context (GRCh38, chr9:137,775,203, plus strand): 5'-AGCTGATGCGCCCCTCCAACAAGGCCCCGCTCCTCGTGCTGTGTGAAGACCACCGGGGCC[G>A]CATGGTGAAGCACCAGTGCTGTCCTGGCTGTGGCTACTTCTGCACAGCGGTAAGAGCCCA-3'
Protein context (NP_079033.4, residues 571-591): LLVLCEDHRG[Arg581His]MVKHQCCPGC

ClinVar aggregate classification (germline): Conflicting classifications of pathogenicity. Review status: criteria provided, conflicting classifications (1 of 4 stars). 2 submissions from 2 submitters: Uncertain significance (1); Likely benign (1). Last evaluated 2025-01-29.

Conditions:
Kleefstra syndrome 1 (KLEFS1). Identifiers: Orphanet 261494, MedGen C0795833, MONDO:0027407, OMIM 610253.

gnomAD v4.1: 2 of 1,613,336 alleles (0.00012%); highest among the groups gnomAD compares: Non-Finnish European, 0.000085%; no homozygotes.

Submissions (2):

Women's Health and Genetics/Laboratory Corporation of America, LabCorp
Classification: Uncertain significance. Last evaluated: 2025-01-29. Review status: criteria provided, single submitter. Criteria: LabCorp Variant Classification Summary - May 2015. Collection method: clinical testing. Allele origin: germline.
Comment: Variant summary: EHMT1 c.1742G>A (p.Arg581His) results in a non-conservative amino acid change in the encoded protein sequence. Three of five in-silico tools predict a benign effect of the variant on protein function. The frequency data for this variant in gnomAD is considered unreliable, as metrics indicate poor data quality at this position. To our knowledge, no occurrence of c.1742G>A in individuals affected with Kleefstra Syndrome 1 and no experimental evidence demonstrating its impact on protein function have been reported. No submitters have cited clinical-significance assessments for this variant to ClinVar. Based on the evidence outlined above, the variant was classified as uncertain significance.

Labcorp Genetics (formerly Invitae), Labcorp
Classification: Likely benign for Kleefstra syndrome 1. Last evaluated: 2025-01-09. Review status: criteria provided, single submitter. Criteria: Invitae Variant Classification Sherloc (09022015). Collection method: clinical testing. Allele origin: germline.